The following is an entry in ClinVar:

ClinVar aggregate classification (germline): Pathogenic. Review status: criteria provided, multiple submitters, no conflicts (2 of 4 stars). 2 submissions from 2 submitters: Pathogenic (2). Last evaluated 2024-11-14.

Conditions:
Hypertrophic cardiomyopathy 26. Also called: Cardiomyopathy, familial hypertrophic, 26. Identifiers: Orphanet 75249, MedGen C4310749, MONDO:0014883, OMIM 617047.
Myofibrillar myopathy 5. Also called: FILAMINOPATHY, AUTOSOMAL DOMINANT; Filaminopathy (type). Identifiers: Orphanet 171445, MedGen C1836050, MONDO:0012289, OMIM 609524.
Distal myopathy with posterior leg and anterior hand involvement. Also called: WILLIAMS DISTAL MYOPATHY. Identifiers: Orphanet 63273, MedGen C3279722, MONDO:0013550, OMIM 614065.

Submissions (2):

3billion
Classification: Pathogenic for Hypertrophic cardiomyopathy 26. Last evaluated: 2024-11-14. Review status: criteria provided, single submitter. Criteria: ACMG Guidelines, 2015. Collection method: clinical testing. Allele origin: germline. Affected: yes.
Comment: The variant is not observed in the gnomAD v4.1.0 dataset. Predicted Consequence/Location: Stop-gained (nonsense): predicted to result in a loss or disruption of normal protein function through nonsense-mediated decay (NMD) or protein truncation. Multiple pathogenic variants are reported downstream of the variant. The variant has been reported to be associated with FLNC-related disorder (ClinVar ID: VCV001072269). Therefore, this variant is classified as Pathogenic according to the recommendation of ACMG/AMP guideline.

Labcorp Genetics (formerly Invitae), Labcorp
Classification: Pathogenic for Distal myopathy with posterior leg and anterior hand involvement; Myofibrillar myopathy 5; Hypertrophic cardiomyopathy 26. Last evaluated: 2020-04-06. Review status: criteria provided, single submitter. Criteria: Invitae Variant Classification Sherloc (09022015). Collection method: clinical testing. Allele origin: germline.
Comment: For these reasons, this variant has been classified as Pathogenic. Loss-of-function variants in FLNC are known to be pathogenic (PMID: 27908349). This variant has been observed in individual(s) with left ventricular hypertrabeculation (PMID: 28798025). This variant is not present in population databases (ExAC no frequency). This sequence change creates a premature translational stop signal (p.Gln1024*) in the FLNC gene. It is expected to result in an absent or disrupted protein product.

Literature cited by the submitters: PubMed 27908349 (cited by Labcorp Genetics (formerly Invitae), Labcorp); PubMed 28798025 (cited by Labcorp Genetics (formerly Invitae), Labcorp).

NM_001458.5(FLNC):c.3070C>T (p.Gln1024Ter)

Gene: FLNC (filamin C; plus strand). Cytogenetic location: 7q32.1.
Variant type: single nucleotide variant.
Coding change: c.3070C>T on transcript NM_001458.5 (MANE Select); coding-DNA position 3070, C replaced by T.
Protein change: p.Gln1024Ter; replaces glutamine 1024 with a stop codon.
Molecular consequence: nonsense.
Genome position (GRCh38, 1-based): chr7:128,844,144, C>T. VCF-style: chr7-128844144-C-T. GRCh37 (hg19) VCF-style: chr7-128484198-C-T.
Other names: c.3070C>T, p.Gln1024Ter (NM_001127487.2); short protein forms Q1024*.
Identifiers: ClinVar variation 1072269 (VCV001072269.10), dbSNP rs2128936189, ClinGen allele CA369194196.